The following is an entry in ClinVar:

NM_000038.6(APC):c.1312+1044G>T

Gene: APC (APC regulator of WNT signaling pathway; plus strand). Cytogenetic location: 5q22.2.
Variant type: single nucleotide variant.
Coding change: c.1312+1044G>T on transcript NM_000038.6 (MANE Select); 1044 bases into the intron after coding-DNA position 1312, G replaced by T.
Molecular consequence: intron variant.
Genome position (GRCh38, 1-based): chr5:112,820,388, G>T. VCF-style: chr5-112820388-G-T. GRCh37 (hg19) VCF-style: chr5-112156085-G-T.
Other names: c.1312+1044G>T (NM_001354895.2, NM_001127510.3, NM_001354896.2); c.1342+1044G>T (NM_001354897.2); c.1039+1044G>T (NM_001354902.2); c.1258+1044G>T (NM_001127511.3); c.1237+1044G>T (NM_001354898.2); c.934+1044G>T (NM_001354904.2); c.463+1044G>T (NM_001354906.2); c.1009+1044G>T (NM_001354903.2); and 3 more.
Identifiers: ClinVar variation 83131 (VCV000083131.2), dbSNP rs75114082, ClinGen allele CA004167.

ClinVar aggregate classification (germline): other (0 of 4 stars; one submission).

Conditions:
Familial colorectal cancer. Identifiers: MedGen CN280943, MONDO:0023113. Disease mechanism: loss of function.

Submission:

Systems Biology Platform Zhejiang California International NanoSystems Institute
Classification: other for Familial colorectal cancer. Review status: no assertion criteria provided. Collection method: not provided. Allele origin: unknown.
ClinVar note: Converted during submission from cancer to other.